The following is an entry in ClinVar:

ClinVar aggregate classification (germline): Uncertain significance (1 of 4 stars; one submission).

Submission:

Labcorp Genetics (formerly Invitae), Labcorp
Classification: Uncertain significance. Last evaluated: 2024-03-23. Review status: criteria provided, single submitter. Criteria: Invitae Variant Classification Sherloc (09022015). Collection method: clinical testing. Allele origin: germline.
Comment: This sequence change replaces cysteine, which is neutral and slightly polar, with tyrosine, which is neutral and polar, at codon 339 of the GATA3 protein (p.Cys339Tyr). This variant is not present in population databases (gnomAD no frequency). This missense change has been observed in individual(s) with hypoparathyroidism (Invitae). Advanced modeling of protein sequence and biophysical properties (such as structural, functional, and spatial information, amino acid conservation, physicochemical variation, residue mobility, and thermodynamic stability) performed at Invitae indicates that this missense variant is expected to disrupt GATA3 protein function with a positive predictive value of 80%. This variant disrupts the p.Cys339 amino acid residue in GATA3. Other variant(s) that disrupt this residue have been observed in individuals with GATA3-related conditions (PMID: 27387476), which suggests that this may be a clinically significant amino acid residue. In summary, the available evidence is currently insufficient to determine the role of this variant in disease. Therefore, it has been classified as a Variant of Uncertain Significance.

Literature cited by the submitters: PubMed 27387476.

NM_001002295.2(GATA3):c.1016G>A (p.Cys339Tyr)

Gene: GATA3 (GATA binding protein 3; plus strand). Cytogenetic location: 10p14.
Variant type: single nucleotide variant.
Coding change: c.1016G>A on transcript NM_001002295.2 (MANE Select); coding-DNA position 1016, G replaced by A.
Protein change: p.Cys339Tyr; replaces cysteine 339 with tyrosine.
Molecular consequence: missense variant.
Genome position (GRCh38, 1-based): chr10:8,069,564, G>A. VCF-style: chr10-8069564-G-A. GRCh37 (hg19) VCF-style: chr10-8111527-G-A.
Other names: c.1013G>A, p.Cys338Tyr (NM_002051.3); short protein forms C339Y, C338Y.
Identifiers: ClinVar variation 3647337 (VCV003647337.2).
Genomic context (GRCh38, chr10:8,069,564, plus strand): 5'-CGAACTGTCAGACCACCACAACCACACTCTGGAGGAGGAATGCCAATGGGGACCCTGTCT[G>A]CAATGCCTGTGGGCTCTACTACAAGCTTCACAATGTAAGTGGACTGGGATCAGCAAGAAC-3'
Protein context (NP_001002295.1, residues 329-349): WRRNANGDPV[Cys339Tyr]NACGLYYKLH